The following is an entry in ClinVar:

ClinVar aggregate classification (germline): Uncertain significance (1 of 4 stars; one submission).

Conditions:
Long QT syndrome (LQTS). Identifiers: MedGen C0023976, MeSH D008133, MONDO:0002442. Disease mechanism: loss of function. Inheritance: Various modes of inheritance.

Allele frequency attached by ClinVar (database versions not stated): gnomAD exomes below 0.00001; ExAC 0.00001; gnomAD 0.00001.
gnomAD v4.1: 2 of 1,614,012 alleles (0.00012%); highest among the groups gnomAD compares: Admixed American, 0.0017%; no homozygotes.

Submission:

Labcorp Genetics (formerly Invitae), Labcorp
Classification: Uncertain significance for Long QT syndrome. Last evaluated: 2023-04-07. Review status: criteria provided, single submitter. Criteria: Invitae Variant Classification Sherloc (09022015). Collection method: clinical testing. Allele origin: germline.
Comment: In summary, the available evidence is currently insufficient to determine the role of this variant in disease. Therefore, it has been classified as a Variant of Uncertain Significance. An algorithm developed to predict the effect of missense changes on protein structure and function (PolyPhen-2) suggests that this variant is likely to be disruptive. ClinVar contains an entry for this variant (Variation ID: 645833). This variant has not been reported in the literature in individuals affected with KCNH2-related conditions. This variant is present in population databases (rs773139548, gnomAD 0.0009%). This sequence change replaces isoleucine, which is neutral and non-polar, with valine, which is neutral and non-polar, at codon 506 of the KCNH2 protein (p.Ile506Val).

NM_000238.4(KCNH2):c.1516A>G (p.Ile506Val)

Gene: KCNH2 (potassium voltage-gated channel subfamily H member 2; minus strand). Cytogenetic location: 7q36.1.
Variant type: single nucleotide variant.
Coding change: c.1516A>G on transcript NM_000238.4 (MANE Select); coding-DNA position 1516, A replaced by G.
Protein change: p.Ile506Val; replaces isoleucine 506 with valine.
Molecular consequence: missense variant.
Genome position (GRCh38, 1-based): chr7:150,952,466, T>C on the plus strand (A>G on the coding strand, the complement: KCNH2 is on the minus strand). VCF-style: chr7-150952466-T-C. GRCh37 (hg19) VCF-style: chr7-150649554-T-C.
Other names: c.496A>G, p.Ile166Val (NM_001204798.2, NM_172057.3); c.1228A>G, p.Ile410Val (NM_001406753.1, NM_001406756.1); c.1339A>G, p.Ile447Val (NM_001406755.1); c.1216A>G, p.Ile406Val (NM_001406757.1); c.1516A>G, p.Ile506Val (NM_172056.3); short protein forms I166V, I506V, I447V, I406V, I410V.
Identifiers: ClinVar variation 645833 (VCV000645833.7), dbSNP rs773139548, ClinGen allele CA028268.